The following is an entry in ClinVar:

ClinVar aggregate classification (germline): Uncertain significance (1 of 4 stars; one submission).

Conditions:
Charcot-Marie-Tooth disease type 4. Also called: Charcot-Marie-Tooth disease, type IV; Charcot-Marie-Tooth, Type 4. Identifiers: Orphanet 64749, MedGen C4082197, MONDO:0018995.

Allele frequency attached by ClinVar (database versions not stated): gnomAD exomes below 0.00001; gnomAD 0.00001.
gnomAD v4.1: 2 of 1,614,044 alleles (0.00012%); highest among the groups gnomAD compares: African/African-American, 0.0027%; no homozygotes.

Submission:

Labcorp Genetics (formerly Invitae), Labcorp
Classification: Uncertain significance for Charcot-Marie-Tooth disease type 4. Last evaluated: 2022-03-25. Review status: criteria provided, single submitter. Criteria: Invitae Variant Classification Sherloc (09022015). Collection method: clinical testing. Allele origin: germline.
Comment: In summary, the available evidence is currently insufficient to determine the role of this variant in disease. Therefore, it has been classified as a Variant of Uncertain Significance. Algorithms developed to predict the effect of missense changes on protein structure and function are either unavailable or do not agree on the potential impact of this missense change (SIFT: "Tolerated"; PolyPhen-2: "Possibly Damaging"; Align-GVGD: "Class C0"). This variant has not been reported in the literature in individuals affected with PRX-related conditions. This variant is not present in population databases (gnomAD no frequency). This sequence change replaces glutamic acid, which is acidic and polar, with glutamine, which is neutral and polar, at codon 773 of the PRX protein (p.Glu773Gln).

NM_181882.3(PRX):c.2317G>C (p.Glu773Gln)

Gene: PRX (periaxin; minus strand). Cytogenetic location: 19q13.2.
Variant type: single nucleotide variant.
Coding change: c.2317G>C on transcript NM_181882.3 (MANE Select); coding-DNA position 2317, G replaced by C.
Protein change: p.Glu773Gln; replaces glutamic acid 773 with glutamine.
Molecular consequence: missense variant. On other transcripts: 3 prime UTR variant (1).
Genome position (GRCh38, 1-based): chr19:40,396,035, C>G on the plus strand (G>C on the coding strand, the complement: PRX is on the minus strand). VCF-style: chr19-40396035-C-G. GRCh37 (hg19) VCF-style: chr19-40901942-C-G.
Other names: c.2602G>C, p.Glu868Gln (NM_001411127.1); c.*2522G>C (NM_020956.2); short protein forms E868Q, E773Q.
Identifiers: ClinVar variation 2116697 (VCV002116697.4), dbSNP rs1934293021, ClinGen allele CA405896549.